The following is an entry in ClinVar:

ClinVar aggregate classification (germline): Uncertain significance (1 of 4 stars; one submission).

Conditions:
Spastic paraplegia. Identifiers: MedGen C0037772, HP:0001258.

Submission:

Labcorp Genetics (formerly Invitae), Labcorp
Classification: Uncertain significance for Spastic paraplegia. Last evaluated: 2023-11-24. Review status: criteria provided, single submitter. Criteria: Invitae Variant Classification Sherloc (09022015). Collection method: clinical testing. Allele origin: germline.
Comment: This sequence change replaces serine, which is neutral and polar, with tyrosine, which is neutral and polar, at codon 175 of the HSPD1 protein (p.Ser175Tyr). This variant is not present in population databases (gnomAD no frequency). This variant has not been reported in the literature in individuals affected with HSPD1-related conditions. ClinVar contains an entry for this variant (Variation ID: 1720658). Advanced modeling of protein sequence and biophysical properties (such as structural, functional, and spatial information, amino acid conservation, physicochemical variation, residue mobility, and thermodynamic stability) performed at Invitae indicates that this missense variant is expected to disrupt HSPD1 protein function with a positive predictive value of 80%. In summary, the available evidence is currently insufficient to determine the role of this variant in disease. Therefore, it has been classified as a Variant of Uncertain Significance.

NM_002156.5(HSPD1):c.524C>A (p.Ser175Tyr)

Gene: HSPD1 (heat shock protein family D (Hsp60) member 1; minus strand). Cytogenetic location: 2q33.1.
Variant type: single nucleotide variant.
Coding change: c.524C>A on transcript NM_002156.5 (MANE Select); coding-DNA position 524, C replaced by A.
Protein change: p.Ser175Tyr; replaces serine 175 with tyrosine.
Molecular consequence: missense variant.
Genome position (GRCh38, 1-based): chr2:197,494,739, G>T on the plus strand (C>A on the coding strand, the complement: HSPD1 is on the minus strand). VCF-style: chr2-197494739-G-T. GRCh37 (hg19) VCF-style: chr2-198359463-G-T.
Other names: c.524C>A, p.Ser175Tyr (NM_199440.2); short protein forms S175Y.
Identifiers: ClinVar variation 1720658 (VCV001720658.5), dbSNP rs2470118665, ClinGen allele CA350202693.